The following is an entry in ClinVar:

ClinVar aggregate classification (germline): Likely pathogenic. Review status: reviewed by expert panel (3 of 4 stars). 6 submissions from 6 submitters: Likely pathogenic (1). 5 of the submissions do not count toward it. Last evaluated 2023-02-25.

Conditions:
Hereditary cancer-predisposing syndrome. Also called: Neoplastic Syndromes, Hereditary; Tumor predisposition; Hereditary Cancer Syndrome; Hereditary neoplastic syndrome. Identifiers: Orphanet 140162, MedGen C0027672, MeSH D009386, MONDO:0015356.
Familial adenomatous polyposis 1 (FAP1). Also called: FAMILIAL ADENOMATOUS POLYPOSIS 1, ATTENUATED; POLYPOSIS, ADENOMATOUS INTESTINAL. Identifiers: MedGen C2713442, MONDO:0021056, OMIM 175100. Disease mechanism: loss of function.
Carcinoma of colon (CRC). Also called: Colonic carcinoma; Colon carcinoma. Identifiers: MedGen C0699790, MONDO:0002032.

Submissions (6):

ClinGen InSiGHT Hereditary Colorectal Cancer/Polyposis Variant Curation Expert Panel
Classification: Likely pathogenic for Familial adenomatous polyposis 1. Last evaluated: 2023-02-25. Review status: reviewed by expert panel. Criteria: ClinGen InSiGHT HCCP VCEP ACMG Specifications APC V1. Collection method: curation. Allele origin: germline. Inheritance: Autosomal dominant inheritance.
Comment: The c.1956C>T variant in APC is predicted to be a synonymous (silent) variant (p.His652=). It is located at the third-last nucleotide of exon 15. Two RNA based RT-PCR assays demonstrate out-of-frame skipping of exon 15, with evidence that the variant allele produces <10% of the full-length transcript (PS3; PMID: 15459959, 22987206). This variant has been reported in 3 probands meeting least 1.5 phenotype points (PS4_Supporting; PMID: 15459959, 22987206). The variant is not reported in gnomAD (PM2_supporting). In summary, this variant meets the criteria to be classified as Likely Pathogenic for FAP based on the ACMG/AMP criteria applied, as specified by the ClinGen InSiGHT Hereditary Colorectal Cancer/Polyposis Variant Curation Expert Panel: PS3, PS4_Supporting and PM2_Supporting (VCEP specifications version 1; date of approval: 12/12/2022).

Myriad Genetics, Inc.
Classification: Likely pathogenic for Familial adenomatous polyposis 1. Last evaluated: 2026-02-25. Review status: criteria provided, single submitter. Criteria: Myriad Autosomal Dominant, Autosomal Recessive and X-Linked Classification Criteria (2023). Collection method: clinical testing. Allele origin: unknown. Not counted in ClinVar's aggregate classification.
Comment: This variant is considered likely pathogenic. mRNA analysis has demonstrated abnormal mRNA splicing occurs [PMID: 15459959, 22987206, Myriad internal data]. This variant has shown to segregate with cancer in one or more families [Myriad internal data].

GeneDx
Classification: Likely pathogenic. Last evaluated: 2025-06-24. Review status: criteria provided, single submitter. Criteria: GeneDx Variant Classification Process June 2021. Collection method: clinical testing. Allele origin: germline. Affected: yes. Not counted in ClinVar's aggregate classification.
Comment: Not observed at significant frequency in large population cohorts (gnomAD); This variant is associated with the following publications: (PMID: 21078199, 9298819, 22987206, 19196998, 20223039, 21134075, 15459959, 35477782)

Ambry Genetics
Classification: Pathogenic for Hereditary cancer-predisposing syndrome. Last evaluated: 2025-05-26. Review status: criteria provided, single submitter. Criteria: Ambry Variant Classification Scheme 2023. Collection method: clinical testing. Allele origin: germline. Not counted in ClinVar's aggregate classification.
Comment: The c.1956C>T pathogenic variant (also known as p.H652H), located in coding exon 14 of the APC gene, results from a C to T substitution at nucleotide position 1956. This nucleotide substitution does not change the amino acid at codon 652. This variant has been reported in multiple individuals with familial adenomatous polyposis (Ambry internal data; Aretz S et al. Hum. Mutat. 2004 Nov;24(5):370-80; Schwarzov&aacute; L et al. Fam. Cancer 2013 Mar;12(1):35-42). This nucleotide position is highly conserved in available vertebrate species. This variant was not reported in population-based cohorts in the Genome Aggregation Database (gnomAD). In silico splice site analysis for this alteration is inconclusive. However, multiple RNA analyses have shown that this variant leads to substantial exon 14 skipping (Ambry internal data; Aretz S et al. 2004; Schwarzov&aacute; L et al. 2013). Based on the supporting evidence, this alteration is interpreted as a disease-causing mutation.

Labcorp Genetics (formerly Invitae), Labcorp
Classification: Pathogenic for Familial adenomatous polyposis 1. Last evaluated: 2024-08-28. Review status: criteria provided, single submitter. Criteria: Invitae Variant Classification Sherloc (09022015). Collection method: clinical testing. Allele origin: germline. Not counted in ClinVar's aggregate classification.
Comment: This sequence change affects codon 652 of the APC mRNA. It is a 'silent' change, meaning that it does not change the encoded amino acid sequence of the APC protein. RNA analysis indicates that this variant induces altered splicing and may result in an absent or altered protein product. This variant is not present in population databases (gnomAD no frequency). This variant has been observed in individuals with familial adenomatous polyposis (FAP) (PMID: 15459959, 22987206; internal data). ClinVar contains an entry for this variant (Variation ID: 419202). Studies have shown that this variant results in skipping of exon 15 (also called exon 14), and produces a non-functional protein and/or introduces a premature termination codon (PMID: 15459959, 22987206; internal data). For these reasons, this variant has been classified as Pathogenic.

Department of Pathology and Laboratory Medicine, Sinai Health System
Classification: Pathogenic for Carcinoma of colon. Review status: no assertion criteria provided. Collection method: clinical testing. Allele origin: unknown. Affected: yes. Observed: 1 variant allele. Study: The Canadian Open Genetics Repository (COGR). Not counted in ClinVar's aggregate classification.
Comment: The APC p.His652His variant was identified in 2 of 2512 proband chromosomes (frequency: 0.001) from German and Czech individuals or families with FAP/AFAP (Friedl 2005, Schwarzova 2013). Aretz et al (2004) were first to show this silent variant resulted in exon 14 skipping similar to substitutions at highly conserved splice acceptor and donor sites, versus the alternative splicing nature of exon 14 seen in normal controls, which was contrary to calls made by splice prediction models. The variant was not identified in dbSNP, 1000 Genomes Project, NHLBI GO Exome Sequencing Project , the Exome Aggregation Consortium database, Clinvitae database, Zhejiang Colon Cancer Database (LOVD), ClinVar database, GeneInsight - COGR database, and UMD; but was identified in COSMIC (1x in an adenomacarcinoma of the large intestine, with somatic status) and in InSiGHT Colon Cancer Gene Variant Database (LOVD) (2x as a pathogenic germline mutation, in a classical FAP phenotype, and one unknown phenotype). The c.1956C>T variant occurs in the third last base of the exon. This position has been shown to be part of the splicing consensus sequence and variants involving this position sometimes affect splicing. Two of 5 in silico or computational prediction software programs (SpliceSiteFinder, MaxEntScan, NNSPLICE, GeneSplicer, HumanSpliceFinder) predict a difference in splicing and functional studies have demonstrated a splicing defect contradicting, increasing the likelihood this variant has clinical significance. In summary, based on the above information, this variant meets our laboratoryâ€šÃ„Ã´s criteria to be classified as pathogenic.

Literature cited by the submitters: PubMed 15459959 (cited by Myriad Genetics, Inc. and Labcorp Genetics (formerly Invitae), Labcorp); PubMed 22987206 (cited by Myriad Genetics, Inc. and Labcorp Genetics (formerly Invitae), Labcorp).

NM_000038.6(APC):c.1956C>T (p.His652=)

Gene: APC (APC regulator of Wnt signaling pathway; plus strand). Cytogenetic location: 5q22.2.
Variant type: single nucleotide variant.
Coding change: c.1956C>T on transcript NM_000038.6 (MANE Select); coding-DNA position 1956, C replaced by T.
Protein change: p.His652=; no amino-acid change (histidine 652 retained).
Molecular consequence: synonymous variant.
Genome position (GRCh38, 1-based): chr5:112,835,163, C>T. VCF-style: chr5-112835163-C-T. GRCh37 (hg19) VCF-style: chr5-112170860-C-T.
Other names: NM_000038.6(APC):c.1956C>T; p.His652=; c.1956C>T, p.His652= (NM_001127510.3, NM_001354895.2); c.1902C>T, p.His634= (NM_001127511.3); c.2010C>T, p.His670= (NM_001354896.2); c.1986C>T, p.His662= (NM_001354897.2); c.1881C>T, p.His627= (NM_001354898.2); c.1872C>T, p.His624= (NM_001354899.2); and 7 more.
Identifiers: ClinVar variation 419202 (VCV000419202.19), dbSNP rs1064793716, ClinGen allele CA16618077.